The following is an entry in ClinVar:

ClinVar aggregate classification (germline): Uncertain significance. Review status: criteria provided, single submitter (1 of 4 stars). 2 submissions from 2 submitters: Uncertain significance (1). 1 of the submissions does not count toward it. Last evaluated 2022-02-08.

Conditions:
Athabaskan severe combined immunodeficiency (SCIDA). Also called: Severe combined immunodeficiency, athabascan-type. Identifiers: MedGen C1865370.
Severe combined immunodeficiency due to DCLRE1C deficiency (RS-SCID). Also called: SCID, AUTOSOMAL RECESSIVE, T CELL-NEGATIVE, B CELL-NEGATIVE, NK CELL-POSITIVE, WITH SENSITIVITY TO IONIZING RADIATION. Identifiers: Orphanet 275, MedGen C1865371, MONDO:0011225, OMIM 602450.

Allele frequency attached by ClinVar (database versions not stated): gnomAD exomes 0.00001 and 0.00002; TOPMed 0.00002; ExAC 0.00003.
gnomAD v4.1: 24 of 1,613,848 alleles (0.0015%); highest among the groups gnomAD compares: Middle Eastern, 0.033%; no homozygotes.

Submissions (2):

Labcorp Genetics (formerly Invitae), Labcorp
Classification: Uncertain significance for Athabaskan severe combined immunodeficiency. Last evaluated: 2022-02-08. Review status: criteria provided, single submitter. Criteria: Invitae Variant Classification Sherloc (09022015). Collection method: clinical testing. Allele origin: germline.
Comment: This sequence change replaces isoleucine, which is neutral and non-polar, with valine, which is neutral and non-polar, at codon 399 of the DCLRE1C protein (p.Ile399Val). This variant is present in population databases (rs759039414, gnomAD 0.004%). This variant has not been reported in the literature in individuals affected with DCLRE1C-related conditions. ClinVar contains an entry for this variant (Variation ID: 858751). Algorithms developed to predict the effect of missense changes on protein structure and function output the following: SIFT: "Tolerated"; PolyPhen-2: "Benign"; Align-GVGD: "Class C0". The valine amino acid residue is found in multiple mammalian species, which suggests that this missense change does not adversely affect protein function. Algorithms developed to predict the effect of sequence changes on RNA splicing suggest that this variant may create or strengthen a splice site. In summary, the available evidence is currently insufficient to determine the role of this variant in disease. Therefore, it has been classified as a Variant of Uncertain Significance.

Natera, Inc.
Classification: Uncertain significance for Athabascan severe combined immunodeficiency. Last evaluated: 2020-08-20. Review status: no assertion criteria provided. Collection method: clinical testing. Allele origin: germline. Not counted in ClinVar's aggregate classification.

NM_001033855.3(DCLRE1C):c.1195A>G (p.Ile399Val)

Gene: DCLRE1C (DNA cross-link repair 1C; minus strand). Cytogenetic location: 10p13.
Variant type: single nucleotide variant.
Coding change: c.1195A>G on transcript NM_001033855.3 (MANE Select); coding-DNA position 1195, A replaced by G.
Protein change: p.Ile399Val; replaces isoleucine 399 with valine.
Molecular consequence: missense variant. On other transcripts: non-coding transcript variant (4).
Genome position (GRCh38, 1-based): chr10:14,909,292, T>C on the plus strand (A>G on the coding strand, the complement: DCLRE1C is on the minus strand). VCF-style: chr10-14909292-T-C. GRCh37 (hg19) VCF-style: chr10-14951291-T-C.
Other names: c.835A>G, p.Ile279Val (NM_001033857.3, NM_001033858.3, NM_001289077.2 and 2 more transcripts); c.850A>G, p.Ile284Val (NM_001289076.2, NM_001289078.2, NM_001350966.2 and 1 more transcripts); c.1195A>G, p.Ile399Val (NM_001350965.2); short protein forms I279V, I284V, I399V.
Identifiers: ClinVar variation 858751 (VCV000858751.4), dbSNP rs759039414, ClinGen allele CA5416524.
Genomic context (GRCh38, chr10:14,909,292, plus strand): 5'-TCATTGAAAATACCTCAGGGTGAAAAGTTTCCGGGTATGGAACTTTGTGCCTTAAAGGTA[T>C]TGGCAGAGGATCATCAAAGAGATAGTCATCTTCCTCCTCTGTGGGACAAACAAAACAGGT-3'
Protein context (NP_001029027.1, residues 389-409): DDYLFDDPLP[Ile399Val]PLRHKVPYPE